The following is an entry in ClinVar:

NC_000007.13:g.(?_6038729)_(6038916_?)dup

Gene: PMS2 (PMS1 homolog 2, mismatch repair system component; minus strand). Cytogenetic location: 7p22.1.
Variant type: Duplication.
Identifiers: ClinVar variation 3245658 (VCV003245658.1).

ClinVar aggregate classification (germline): Uncertain significance (1 of 4 stars; one submission).

Conditions:
Hereditary nonpolyposis colorectal neoplasms. Identifiers: MedGen C0009405, MeSH D003123.

Submission:

Labcorp Genetics (formerly Invitae), Labcorp
Classification: Uncertain significance for Hereditary nonpolyposis colorectal neoplasms. Last evaluated: 2021-10-18. Review status: criteria provided, single submitter. Criteria: Invitae Variant Classification Sherloc (09022015). Collection method: clinical testing. Allele origin: unknown.
Comment: In summary, the available evidence is currently insufficient to determine the role of this variant in disease. Therefore, it has been classified as a Variant of Uncertain Significance. Experimental studies and prediction algorithms are not available or were not evaluated, and the functional significance of this variant is currently unknown. This variant has not been reported in the literature in individuals with PMS2-related conditions. This variant results in a copy number gain of the genomic region encompassing exon(s) 6 of the PMS2 gene. While the exact position of this variant cannot be determined from the data, sub-genic copy number gains are generally in tandem (PMID: 25640679). This variant is predicted to be in-frame, and likely preserves the integrity of the reading frame.

Literature cited by the submitters: PubMed 25640679.